The following is an entry in ClinVar:

ClinVar aggregate classification (germline): Uncertain significance (1 of 4 stars; one submission).

Allele frequency attached by ClinVar (database versions not stated): gnomAD exomes below 0.00001 and 0.00001; ExAC 0.00001; gnomAD 0.00001; TOPMed 0.00001.

Submission:

Labcorp Genetics (formerly Invitae), Labcorp
Classification: Uncertain significance. Last evaluated: 2021-10-20. Review status: criteria provided, single submitter. Criteria: Invitae Variant Classification Sherloc (09022015). Collection method: clinical testing. Allele origin: germline.
Comment: This variant is present in population databases (rs751426110, ExAC 0.001%). In summary, the available evidence is currently insufficient to determine the role of this variant in disease. Therefore, it has been classified as a Variant of Uncertain Significance. Algorithms developed to predict the effect of missense changes on protein structure and function are either unavailable or do not agree on the potential impact of this missense change (SIFT: "Tolerated"; PolyPhen-2: "Probably Damaging"; Align-GVGD: "Class C0"). This variant has not been reported in the literature in individuals affected with TTLL5-related conditions. This sequence change replaces leucine with phenylalanine at codon 158 of the TTLL5 protein (p.Leu158Phe). The leucine residue is moderately conserved and there is a small physicochemical difference between leucine and phenylalanine.

NM_015072.5(TTLL5):c.472C>T (p.Leu158Phe)

Gene: TTLL5 (tubulin tyrosine ligase like 5; plus strand). Cytogenetic location: 14q24.3.
Variant type: single nucleotide variant.
Coding change: c.472C>T on transcript NM_015072.5 (MANE Select); coding-DNA position 472, C replaced by T.
Protein change: p.Leu158Phe; replaces leucine 158 with phenylalanine.
Molecular consequence: missense variant.
Genome position (GRCh38, 1-based): chr14:75,690,292, C>T. VCF-style: chr14-75690292-C-T. GRCh37 (hg19) VCF-style: chr14-76156635-C-T.
Other names: short protein forms L158F.
Identifiers: ClinVar variation 1518186 (VCV001518186.4), dbSNP rs751426110, ClinGen allele CA7278934.